The following is an entry in ClinVar:

NM_001035.3(RYR2):c.12637G>A (p.Glu4213Lys)

Genes: RYR2 (ryanodine receptor 2; plus strand), LOC126806068 (BRD4-independent group 4 enhancer GRCh37_chr1:237947411-237948610; plus strand). Cytogenetic location: 1q43.
Variant type: single nucleotide variant.
Coding change: c.12637G>A on transcript NM_001035.3 (MANE Select); coding-DNA position 12637, G replaced by A.
Protein change: p.Glu4213Lys; replaces glutamic acid 4213 with lysine.
Molecular consequence: missense variant.
Genome position (GRCh38, 1-based): chr1:237,784,349, G>A. VCF-style: chr1-237784349-G-A. GRCh37 (hg19) VCF-style: chr1-237947649-G-A.
Other names: c.12637G>A (NM_001035.2); short protein forms E4213K.
Identifiers: ClinVar variation 1172423 (VCV001172423.9), dbSNP rs1695373966, ClinGen allele CA345413802.

ClinVar aggregate classification (germline): Uncertain significance. Review status: criteria provided, multiple submitters, no conflicts (2 of 4 stars). 4 submissions from 4 submitters: Uncertain significance (4). Last evaluated 2024-09-23.

Conditions:
Cardiomyopathy (CMYO). Also called: Cardiomyopathies. Identifiers: Orphanet 167848, MedGen C0878544, MONDO:0004994, HP:0001638. Inheritance: Various modes of inheritance.
Catecholaminergic polymorphic ventricular tachycardia 1. Also called: VENTRICULAR TACHYCARDIA, STRESS-INDUCED POLYMORPHIC 1; VENTRICULAR TACHYCARDIA, CATECHOLAMINERGIC POLYMORPHIC, 1, WITH OR WITHOUT ATRIAL DYSFUNCTION AND/OR DILATED CARDIOMYOPATHY; RYR2-Related Catecholaminergic Polymorphic Ventricular Tachycardia. Identifiers: Orphanet 3286, MedGen C1631597, MONDO:0011484, OMIM 604772.
Cardiovascular phenotype. Identifiers: MedGen CN230736.
Catecholaminergic polymorphic ventricular tachycardia (CVPT). Also called: Catecholamine-induced polymorphic ventricular tachycardia. Identifiers: Orphanet 3286, MedGen C5574922, MONDO:0017990.

Allele frequency attached by ClinVar (database versions not stated): TOPMed 0.00001.
gnomAD v4.1: 6 of 1,613,908 alleles (0.00037%); highest among the groups gnomAD compares: Non-Finnish European, 0.00051%; no homozygotes.

Submissions (4):

All of Us Research Program, National Institutes of Health
Classification: Uncertain significance for Catecholaminergic polymorphic ventricular tachycardia. Last evaluated: 2024-09-23. Review status: criteria provided, single submitter. Criteria: ACMG Guidelines, 2015. Collection method: clinical testing. Allele origin: germline. Inheritance: Autosomal dominant inheritance. Observed: 5 variant alleles, 5 heterozygotes.
Comment: This missense variant replaces glutamic acid with lysine at codon 4213 of the RYR2 protein. Computational prediction is inconclusive regarding the impact of this variant on protein structure and function (internally defined REVEL score threshold 0.5 < inconclusive < 0.7, PMID: 27666373). To our knowledge, functional studies have not been reported for this variant. This variant has not been reported in individuals affected with cardiovascular disorders in the literature. This variant has not been identified in the general population by the Genome Aggregation Database (gnomAD). The available evidence is insufficient to determine the role of this variant in disease conclusively. Therefore, this variant is classified as a Variant of Uncertain Significance.

This study involves interpretation of variants in research participants for the purpose of population health screening. Participant phenotype was not available at the time of variant classification. Additional details can be found in publication PMID: 35346344, PMCID: PMC8962531

Ambry Genetics
Classification: Uncertain significance for Cardiovascular phenotype. Last evaluated: 2024-05-17. Review status: criteria provided, single submitter. Criteria: Ambry Variant Classification Scheme 2023. Collection method: clinical testing. Allele origin: germline.
Comment: The p.E4213K variant (also known as c.12637G>A), located in coding exon 90 of the RYR2 gene, results from a G to A substitution at nucleotide position 12637. The glutamic acid at codon 4213 is replaced by lysine, an amino acid with similar properties. This amino acid position is well conserved in available vertebrate species. In addition, the in silico prediction for this alteration is inconclusive. Based on the available evidence, the clinical significance of this variant remains unclear.

Color Diagnostics, LLC DBA Color Health
Classification: Uncertain significance for Cardiomyopathy. Last evaluated: 2024-05-15. Review status: criteria provided, single submitter. Criteria: ACMG Guidelines, 2015. Collection method: clinical testing. Allele origin: germline.
Comment: This missense variant replaces glutamic acid with lysine at codon 4213 of the RYR2 protein. Computational prediction is inconclusive regarding the impact of this variant on protein structure and function (internally defined REVEL score threshold 0.5 < inconclusive < 0.7, PMID: 27666373). To our knowledge, functional studies have not been reported for this variant. This variant has not been reported in individuals affected with RYR2-related disorders in the literature. This variant has not been identified in the general population by the Genome Aggregation Database (gnomAD). The available evidence is insufficient to determine the role of this variant in disease conclusively. Therefore, this variant is classified as a Variant of Uncertain Significance.

Labcorp Genetics (formerly Invitae), Labcorp
Classification: Uncertain significance for Catecholaminergic polymorphic ventricular tachycardia 1. Last evaluated: 2023-03-27. Review status: criteria provided, single submitter. Criteria: Invitae Variant Classification Sherloc (09022015). Collection method: clinical testing. Allele origin: germline.
Comment: This variant has not been reported in the literature in individuals affected with RYR2-related conditions. This variant is not present in population databases (gnomAD no frequency). This sequence change replaces glutamic acid, which is acidic and polar, with lysine, which is basic and polar, at codon 4213 of the RYR2 protein (p.Glu4213Lys). ClinVar contains an entry for this variant (Variation ID: 1172423). In summary, the available evidence is currently insufficient to determine the role of this variant in disease. Therefore, it has been classified as a Variant of Uncertain Significance. Advanced modeling of protein sequence and biophysical properties (such as structural, functional, and spatial information, amino acid conservation, physicochemical variation, residue mobility, and thermodynamic stability) has been performed at Invitae for this missense variant, however the output from this modeling did not meet the statistical confidence thresholds required to predict the impact of this variant on RYR2 protein function.